The following is an entry in ClinVar:

NR_199791.1(RNU2-2):n.32T>G

Genes: RNU2-2 (RNA, U2 small nuclear 2; minus strand), WDR74 (WD repeat domain 74; minus strand). Cytogenetic location: 11q12.3.
Variant type: single nucleotide variant.
Molecular consequence: non-coding transcript variant (on NR_199791.1). On other transcripts: 5 prime UTR variant (1).
Genome position: GRCh38 VCF-style: chr11-62841778-A-C. GRCh37 (hg19) VCF-style: chr11-62609250-A-C.
Other names: c.-507T>G (NM_001369451.1).
Identifiers: ClinVar variation 4540472 (VCV004540472.1).
Genomic context (GRCh38, chr11:62,841,778, plus strand): 5'-AATATATTGTCCTCGGATAGAGGACGTATCAGATATTAAACTGATAAGAACAGATACTAC[A>C]CTTGATCTTAGCCAAAAGGCCGAGAAGCGATACCTTTACTTCGGTCGCCTCGGCGGCCTT-3'

ClinVar aggregate classification (germline): Likely pathogenic (1 of 4 stars; one submission).

Conditions:
RNU2-2 related disorder.

Submission:

Institute for Human Genetics, University Hospital Essen
Classification: Likely pathogenic for RNU2-2 related disorder. Last evaluated: 2025-11-27. Review status: criteria provided, single submitter. Criteria: Submitter's publication. Collection method: clinical testing. Allele origin: germline. Inheritance: Autosomal recessive inheritance. Affected: yes. Observed: 2 variant alleles, 2 compound heterozygotes.
Comment: PS2_supp, PS4_supp, PM1, PM2_supp, PM3, PP1 (criteria rationale detailed in Leitão et al. Nature Genetics 2026)